The following is an entry in ClinVar:

NM_002047.4(GARS1):c.2218T>A (p.Ter740Arg)

Gene: GARS1 (glycyl-tRNA synthetase 1; plus strand). Cytogenetic location: 7p14.3.
Variant type: single nucleotide variant.
Coding change: c.2218T>A on transcript NM_002047.4 (MANE Select); coding-DNA position 2218, T replaced by A.
Protein change: p.Ter740Arg.
Molecular consequence: stop lost.
Genome position (GRCh38, 1-based): chr7:30,633,858, T>A. VCF-style: chr7-30633858-T-A. GRCh37 (hg19) VCF-style: chr7-30673474-T-A.
Other names: c.2056T>A, p.Ter686Arg (NM_001316772.1).
Identifiers: ClinVar variation 2963086 (VCV002963086.3), dbSNP rs2534339620, ClinGen allele CA367132344.

ClinVar aggregate classification (germline): Uncertain significance (1 of 4 stars; one submission).

Conditions:
Charcot-Marie-Tooth disease type 2. Also called: Charcot-Marie-Tooth type 2. Identifiers: Orphanet 64746, MedGen C0270914, MONDO:0018993.

Submission:

Labcorp Genetics (formerly Invitae), Labcorp
Classification: Uncertain significance for Charcot-Marie-Tooth disease type 2. Last evaluated: 2023-02-22. Review status: criteria provided, single submitter. Criteria: Invitae Variant Classification Sherloc (09022015). Collection method: clinical testing. Allele origin: germline.
Comment: This sequence change disrupts the translational stop signal of the GARS mRNA. It is expected to extend the length of the GARS protein by 4 additional amino acid residues. This variant is not present in population databases (gnomAD no frequency). This variant has not been reported in the literature in individuals affected with GARS-related conditions. In summary, the available evidence is currently insufficient to determine the role of this variant in disease. Therefore, it has been classified as a Variant of Uncertain Significance.